The following is an entry in ClinVar:

NM_000179.3(MSH6):c.3802-7_3802-4del

Gene: MSH6 (mutS homolog 6; plus strand). Cytogenetic location: 2p16.3.
Variant type: Microsatellite.
Coding change: c.3802-7_3802-4del on transcript NM_000179.3 (MANE Select); 7 bases into the intron before coding-DNA position 3802 through 4 bases into the intron before coding-DNA position 3802, 4 bases deleted (TCTT; older notation c.3802-7_3802-4delTCTT).
Molecular consequence: intron variant.
Genome position (GRCh38, 1-based): chr2:47,806,445-47,806,448, TCTT deleted; deleting any 4 consecutive bases within chr2:47,806,439-47,806,448 gives the same sequence; the c. name uses the placement nearest the transcript's 3' end. VCF-style (leftmost placement, unchanged base first): chr2-47806438-TTTTC-T. GRCh37 (hg19) VCF-style: chr2-48033577-TTTTC-T.
Other names: c.2896-7_2896-4del (NM_001281493.2, NM_001281494.2); c.3412-7_3412-4del (NM_001281492.2); c.3802-7_3802-4delTCTT (NM_000179.2).
Identifiers: ClinVar variation 234703 (VCV000234703.24), dbSNP rs876661171, ClinGen allele CA10577295.

ClinVar aggregate classification (germline): Pathogenic/Likely pathogenic. Review status: criteria provided, multiple submitters, no conflicts (2 of 4 stars). 6 submissions from 6 submitters: Pathogenic (1); Likely pathogenic (5). Last evaluated 2026-09-15.

Conditions:
Lynch syndrome 5 (LYNCH5). Also called: Colorectal cancer, hereditary nonpolyposis, type 5; Hereditary non-polyposis colorectal cancer, type 5. Identifiers: Orphanet 144, MedGen C1833477, MONDO:0013710, OMIM 614350. Disease mechanism: loss of function.
Endometrial carcinoma. Also called: Endometrial carcinoma, somatic. Identifiers: MedGen C0476089, MONDO:0002447, OMIM 608089, HP:0012114.
Hereditary nonpolyposis colorectal neoplasms. Identifiers: MedGen C0009405, MeSH D003123.
Hereditary cancer-predisposing syndrome. Also called: Hereditary neoplastic syndrome; Tumor predisposition; Neoplastic Syndromes, Hereditary; Hereditary Cancer Syndrome. Identifiers: Orphanet 140162, MedGen C0027672, MeSH D009386, MONDO:0015356.

Submissions (6):

GeneDx
Classification: Likely pathogenic. Last evaluated: 2026-09-15. Review status: criteria provided, single submitter. Criteria: GeneDx Variant Classification Process June 2021. Collection method: clinical testing. Allele origin: germline.
Comment: Not observed at significant frequency in large population cohorts (gnomAD); This variant is associated with the following publications: (PMID: 31642931, 32133419)

Labcorp Genetics (formerly Invitae), Labcorp
Classification: Pathogenic for Hereditary nonpolyposis colorectal neoplasms. Last evaluated: 2025-04-18. Review status: criteria provided, single submitter. Criteria: Invitae Variant Classification Sherloc (09022015). Collection method: clinical testing. Allele origin: germline.
Comment: This sequence change falls in intron 8 of the MSH6 gene. It does not directly change the encoded amino acid sequence of the MSH6 protein. This variant is present in population databases (no rsID available, gnomAD 0.006%). This variant has been observed in individuals with Lynch syndrome (PMID: 21520333, 31642931; external communication, internal data). It has also been observed to segregate with disease in related individuals. ClinVar contains an entry for this variant (Variation ID: 234703). Algorithms developed to predict the effect of sequence changes on RNA splicing suggest that this variant may disrupt the consensus splice site. For these reasons, this variant has been classified as Pathogenic.

Ambry Genetics
Classification: Likely pathogenic for Hereditary cancer-predisposing syndrome. Last evaluated: 2025-02-11. Review status: criteria provided, single submitter. Criteria: Ambry Variant Classification Scheme 2023. Collection method: clinical testing. Allele origin: germline.
Comment: The c.3802-7_3802-4delTCTT intronic variant begins 7 nucleotide(s) before coding exon 9 in the MSH6 gene. This variant results from a deletion of 4 nucleotides at positions c.3802-7 to 3802-4. This nucleotide region is well conserved in available vertebrate species. This variant segregated with Lynch syndrome-associated disease in four affected members of one family and has been identified in probands whose Lynch syndrome-associated tumor demonstrated loss of MSH6 expression by immunohistochemistry (Ambry internal data). In silico splice site analysis predicts that this alteration may weaken the native splice acceptor site. RNA studies have demonstrated that this alteration results in abnormal splicing in the set of samples tested (Ambry internal data). This variant is considered to be rare based on population cohorts in the Genome Aggregation Database (gnomAD). Based on the majority of available evidence to date, this variant is likely to be pathogenic.

Department of Pathology and Laboratory Medicine, Sinai Health System
Classification: Likely pathogenic for Endometrial carcinoma; Lynch syndrome 5. Last evaluated: 2024-09-11. Review status: criteria provided, single submitter. Criteria: ACMG Guidelines, 2015. Collection method: clinical testing. Allele origin: germline. Affected: yes.

Color Diagnostics, LLC DBA Color Health
Classification: Likely pathogenic for Hereditary cancer-predisposing syndrome. Last evaluated: 2024-01-30. Review status: criteria provided, single submitter. Criteria: ACMG Guidelines, 2015. Collection method: clinical testing. Allele origin: germline.
Comment: This variant causes a deletion of four nucleotides in intron 8 of the MSH6 gene. Splice site prediction tools predict that this variant may have a significant impact on RNA splicing. RNA studies have demonstrated this variant impacts splicing (PMID: 31642931, 32133419, 34445333; Ambry Genetics ClinVar SCV000580092.5). This variant has been reported in individuals affected with Lynch syndrome (PMID: 31642931, 3164293; ClinVar SCV000941105.5, SCV000580092.5). It has been shown that this variant segregates with disease (PMID: 31642931; ClinVar SCV000580092.5). This variant has been identified in 1/250970 chromosomes in the general population by the Genome Aggregation Database (gnomAD). Loss of MSH6 function is a known mechanism of disease. Based on the available evidence, this variant is classified as Likely Pathogenic.

Mayo Clinic Laboratories, Mayo Clinic
Classification: Likely pathogenic. Last evaluated: 2022-07-28. Review status: criteria provided, single submitter. Criteria: ACMG Guidelines, 2015. Collection method: clinical testing. Allele origin: germline. Observed: 2 variant alleles.
Comment: PP1, PP4, PP5, PM2, PS3_supporting

Literature cited by the submitters: PubMed 21520333 (cited by Labcorp Genetics (formerly Invitae), Labcorp); PubMed 31642931 (cited by 4 submitters); PubMed 34445333 (cited by 3 submitters); PubMed 3164293 (cited by Color Diagnostics, LLC DBA Color Health); PubMed 32133419 (cited by Color Diagnostics, LLC DBA Color Health and Mayo Clinic Laboratories, Mayo Clinic); PubMed 32849802 (cited by Mayo Clinic Laboratories, Mayo Clinic).